The following is an entry in ClinVar:

ClinVar aggregate classification (germline): Likely benign. Review status: criteria provided, single submitter (1 of 4 stars). 2 submissions from 2 submitters: Likely benign (1). 1 of the submissions does not count toward it. Last evaluated 2025-10-04.

Conditions:
UCP3-related disorder. Also called: UCP3-related condition.

Allele frequency attached by ClinVar (database versions not stated): gnomAD 0.00002; TOPMed 0.00005.
gnomAD v4.1: 74 of 1,597,518 alleles (0.0046%); highest among the groups gnomAD compares: Admixed American, 0.027%; no homozygotes.

Submissions (2):

Labcorp Genetics (formerly Invitae), Labcorp
Classification: Likely benign. Last evaluated: 2025-10-04. Review status: criteria provided, single submitter. Criteria: Invitae Variant Classification Sherloc (09022015). Collection method: clinical testing. Allele origin: germline.

PreventionGenetics, part of Exact Sciences
Classification: Likely benign for UCP3-related condition. Last evaluated: 2022-08-26. Review status: no assertion criteria provided. Collection method: clinical testing. Allele origin: germline. Not counted in ClinVar's aggregate classification.
Comment: This variant is classified as likely benign based on ACMG/AMP sequence variant interpretation guidelines (Richards et al. 2015 PMID: 25741868, with internal and published modifications).

NM_003356.4(UCP3):c.822G>A (p.Lys274=)

Gene: UCP3 (uncoupling protein 3; minus strand). Cytogenetic location: 11q13.4.
Variant type: single nucleotide variant.
Coding change: c.822G>A on transcript NM_003356.4 (MANE Select); coding-DNA position 822, G replaced by A.
Protein change: p.Lys274=; no amino-acid change (lysine 274 retained).
Molecular consequence: synonymous variant.
Genome position (GRCh38, 1-based): chr11:74,003,829, C>T on the plus strand (G>A on the coding strand, the complement: UCP3 is on the minus strand). VCF-style: chr11-74003829-C-T. GRCh37 (hg19) VCF-style: chr11-73714874-C-T.
Other names: c.822G>A, p.Lys274= (NM_022803.3).
Identifiers: ClinVar variation 3054734 (VCV003054734.3), dbSNP rs746995996, ClinGen allele CA6181355.